The following is an entry in ClinVar:

ClinVar aggregate classification (germline): Pathogenic (1 of 4 stars; one submission).

Conditions:
Aortic aneurysm, familial thoracic 7 (AAT7). Also called: AORTIC DISSECTION, FAMILIAL, WITH OR WITHOUT AORTIC ANEURYSM. Identifiers: MedGen C3151077, MONDO:0013418, OMIM 613780.

Submission:

Labcorp Genetics (formerly Invitae), Labcorp
Classification: Pathogenic for Aortic aneurysm, familial thoracic 7. Last evaluated: 2023-07-10. Review status: criteria provided, single submitter. Criteria: Invitae Variant Classification Sherloc (09022015). Collection method: clinical testing. Allele origin: unknown.
Comment: This variant is a gross deletion of the genomic region encompassing exon(s) 31 of the MYLK gene. This deletion is out-of-frame, and is expected to create a premature termination codon and result in an absent or disrupted protein product. Loss-of-function variants in MYLK are known to be pathogenic (PMID: 21055718, 28602422). This variant has not been reported in the literature in individuals affected with MYLK-related conditions. For these reasons, this variant has been classified as Pathogenic.

Literature cited by the submitters: PubMed 21055718; PubMed 28602422.

NC_000003.11:g.(?_123345645)_(123345808_?)del

Gene: MYLK (myosin light chain kinase; minus strand). Cytogenetic location: 3q21.1.
Variant type: Deletion.
Identifiers: ClinVar variation 3246910 (VCV003246910.1).